The following is an entry in ClinVar:

ClinVar aggregate classification (germline): Uncertain significance. Review status: criteria provided, multiple submitters, no conflicts (2 of 4 stars). 2 submissions from 2 submitters: Uncertain significance (2). Last evaluated 2025-10-01.

Conditions:
Meckel-Gruber syndrome. Also called: Dysencephalia splachnocystica; DYSENCEPHALIA SPLANCHNOCYSTICA; GRUBER SYNDROME. Identifiers: Orphanet 564, MedGen C0265215, MONDO:0018921.
Joubert syndrome. Also called: Familial aplasia of the vermis; JOUBERT-BOLTSHAUSER SYNDROME. Identifiers: Orphanet 475, MedGen C5979921, MONDO:0018772.

Allele frequency attached by ClinVar (database versions not stated): gnomAD exomes below 0.00001; gnomAD 0.00001; TOPMed 0.00001; ExAC 0.00003; ESP Exome Variant Server 0.00008.
gnomAD v4.1: 5 of 1,538,242 alleles (0.00033%); highest among the groups gnomAD compares: Admixed American, 0.0019%; no homozygotes.

Submissions (2):

Labcorp Genetics (formerly Invitae), Labcorp
Classification: Uncertain significance for Joubert syndrome; Meckel-Gruber syndrome. Last evaluated: 2025-10-01. Review status: criteria provided, single submitter. Criteria: Invitae Variant Classification Sherloc (09022015). Collection method: clinical testing. Allele origin: germline.
Comment: This sequence change affects codon 1165 of the CC2D2A mRNA. It is a 'silent' change, meaning that it does not change the encoded amino acid sequence of the CC2D2A protein. This variant also falls at the last nucleotide of exon 28, which is part of the consensus splice site for this exon. The frequency data for this variant in the population databases is considered unreliable, as metrics indicate poor data quality at this position in the gnomAD database. This variant has not been reported in the literature in individuals affected with CC2D2A-related conditions. ClinVar contains an entry for this variant (Variation ID: 598213). Variants that disrupt the consensus splice site are a relatively common cause of aberrant splicing (PMID: 17576681, 9536098). Algorithms developed to predict the effect of sequence changes on RNA splicing suggest that this variant is not likely to affect RNA splicing. In summary, the available evidence is currently insufficient to determine the role of this variant in disease. Therefore, it has been classified as a Variant of Uncertain Significance.

Eurofins Ntd Llc (ga)
Classification: Uncertain significance. Last evaluated: 2018-07-31. Review status: criteria provided, single submitter. Criteria: EGL ClinVar v180209 classification definitions. Collection method: clinical testing. Allele origin: germline. Observed: 1 variant allele, 1 heterozygote.

Literature cited by the submitters: PubMed 17576681 (cited by Labcorp Genetics (formerly Invitae), Labcorp); PubMed 9536098 (cited by Labcorp Genetics (formerly Invitae), Labcorp).

NM_001378615.1(CC2D2A):c.3495G>A (p.Glu1165=)

Genes: CC2D2A (coiled-coil and C2 domain containing 2A; plus strand), FBXL5 (F-box and leucine rich repeat protein 5; minus strand). Cytogenetic location: 4p15.32.
Variant type: single nucleotide variant.
Coding change: c.3495G>A on transcript NM_001378615.1 (MANE Select); coding-DNA position 3495, G replaced by A.
Protein change: p.Glu1165=; no amino-acid change (glutamic acid 1165 retained).
Molecular consequence: synonymous variant.
Genome position (GRCh38, 1-based): chr4:15,569,389, G>A. VCF-style: chr4-15569389-G-A. GRCh37 (hg19) VCF-style: chr4-15571012-G-A.
Other names: c.3495G>A, p.Glu1165= (NM_001080522.2); c.3348G>A, p.Glu1116= (NM_001378617.1).
Identifiers: ClinVar variation 598213 (VCV000598213.10), dbSNP rs374241960, ClinGen allele CA2864179.